The following is an entry in ClinVar:

NM_017780.4(CHD7):c.6775+1G>T

Gene: CHD7 (chromodomain helicase DNA binding protein 7; plus strand). Cytogenetic location: 8q12.2.
Variant type: single nucleotide variant.
Coding change: c.6775+1G>T on transcript NM_017780.4 (MANE Select); the canonical splice donor site of the intron after coding-DNA position 6775, G replaced by T.
Molecular consequence: splice donor variant. On other transcripts: intron variant (1).
Genome position (GRCh38, 1-based): chr8:60,853,501, G>T. VCF-style: chr8-60853501-G-T. GRCh37 (hg19) VCF-style: chr8-61766060-G-T.
Other names: c.1717-8728G>T (NM_001316690.1).
Identifiers: ClinVar variation 971285 (VCV000971285.13), dbSNP rs1805573066, ClinGen allele CA371326310.

ClinVar aggregate classification (germline): Pathogenic. Review status: criteria provided, multiple submitters, no conflicts (2 of 4 stars). 2 submissions from 2 submitters: Pathogenic (2). Last evaluated 2020-12-05.

Conditions:
CHARGE syndrome (CHARGE). Also called: Hittner Hirsch Kreh syndrome; Coloboma, heart anomaly, choanal atresia, retardation, genital and ear anomalies; CHARGE association; Hall-Hittner syndrome; CHARGE ASSOCIATION--COLOBOMA, HEART ANOMALY, CHOANAL ATRESIA, RETARDATION, GENITAL AND EAR ANOMALIES. Identifiers: Orphanet 138, MedGen C0265354, MONDO:0008965.

Submissions (2):

Revvity Omics, Revvity
Classification: Pathogenic. Last evaluated: 2020-12-05. Review status: criteria provided, single submitter. Criteria: ACMG Guidelines, 2015. Collection method: clinical testing. Allele origin: germline.

Labcorp Genetics (formerly Invitae), Labcorp
Classification: Pathogenic for CHARGE syndrome. Last evaluated: 2019-10-21. Review status: criteria provided, single submitter. Criteria: Invitae Variant Classification Sherloc (09022015). Collection method: clinical testing. Allele origin: germline.
Comment: Algorithms developed to predict the effect of sequence changes on RNA splicing suggest that this variant may disrupt the consensus splice site, but this prediction has not been confirmed by published transcriptional studies. Donor and acceptor splice site variants typically lead to a loss of protein function (PMID: 16199547), and loss-of-function variants in CHD7 are known to be pathogenic (PMID: 22461308, 25077900). For these reasons, this variant has been classified as Pathogenic. Disruption of this splice site has been observed in individuals affected with CHARGE syndrome (PMID: 29304373, Invitae). This variant is not present in population databases (ExAC no frequency). This sequence change affects a donor splice site in intron 31 of the CHD7 gene. It is expected to disrupt RNA splicing and likely results in an absent or disrupted protein product.

Literature cited by the submitters: PubMed 16199547 (cited by Labcorp Genetics (formerly Invitae), Labcorp); PubMed 22461308 (cited by Labcorp Genetics (formerly Invitae), Labcorp); PubMed 25077900 (cited by Labcorp Genetics (formerly Invitae), Labcorp); PubMed 29304373 (cited by Labcorp Genetics (formerly Invitae), Labcorp).